The following is an entry in ClinVar:

ClinVar aggregate classification (germline): Uncertain significance (1 of 4 stars; one submission).

Submission:

Ambry Genetics
Classification: Uncertain significance. Last evaluated: 2025-09-29. Review status: criteria provided, single submitter. Criteria: Ambry Variant Classification Scheme 2023. Collection method: clinical testing. Allele origin: germline.
Comment: The p.V363F variant (also known as c.1087G>T), located in coding exon 11 of the KIF1B gene, results from a G to T substitution at nucleotide position 1087. The valine at codon 363 is replaced by phenylalanine, an amino acid with highly similar properties. This amino acid position is conserved. In addition, this alteration is predicted to be deleterious by in silico analysis. Based on the available evidence, the clinical significance of this variant remains unclear.

NM_001365951.3(KIF1B):c.1105G>T (p.Val369Phe)

Gene: KIF1B (kinesin family member 1B; plus strand). Cytogenetic location: 1p36.22.
Variant type: single nucleotide variant.
Coding change: c.1105G>T on transcript NM_001365951.3 (MANE Select); coding-DNA position 1105, G replaced by T.
Protein change: p.Val369Phe; replaces valine 369 with phenylalanine.
Molecular consequence: missense variant.
Genome position (GRCh38, 1-based): chr1:10,278,053, G>T. VCF-style: chr1-10278053-G-T. GRCh37 (hg19) VCF-style: chr1-10338111-G-T.
Other names: c.1087G>T, p.Val363Phe (NM_015074.3, NM_183416.4, NM_001365953.1); c.1105G>T, p.Val369Phe (NM_001365952.1); short protein forms V363F, V369F.
Identifiers: ClinVar variation 4543631 (VCV004543631.1).